The following is an entry in ClinVar:

NM_000055.4(BCHE):c.166T>A (p.Phe56Ile)

Gene: BCHE (butyrylcholinesterase; minus strand). Cytogenetic location: 3q26.1.
Variant type: single nucleotide variant.
Coding change: c.166T>A on transcript NM_000055.4 (MANE Select); coding-DNA position 166, T replaced by A.
Protein change: p.Phe56Ile; replaces phenylalanine 56 with isoleucine.
Molecular consequence: missense variant. On other transcripts: non-coding transcript variant (1).
Genome position (GRCh38, 1-based): chr3:165,830,868, A>T on the plus strand (T>A on the coding strand, the complement: BCHE is on the minus strand). VCF-style: chr3-165830868-A-T. GRCh37 (hg19) VCF-style: chr3-165548656-A-T.
Other names: short protein forms F56I.
Identifiers: ClinVar variation 631914 (VCV000631914.9), dbSNP rs531738678, ClinGen allele CA2692554.

ClinVar aggregate classification (germline): Conflicting classifications of pathogenicity. Review status: criteria provided, conflicting classifications (1 of 4 stars). 3 submissions from 3 submitters: Likely pathogenic (1); Uncertain significance (2). Last evaluated 2023-05-12.

Conditions:
Deficiency of butyrylcholinesterase (BCHED). Also called: Deficiency of butyrylcholine esterase; Butyrylcholinesterase deficiency; BCHE, silent 1; Acholinesterasemia. Identifiers: Orphanet 132, MedGen C1283400, MONDO:0015270, OMIM 617936.

Allele frequency attached by ClinVar (database versions not stated): ExAC 0.00001; gnomAD 0.00005; gnomAD exomes 0.00005 and 0.00009; TOPMed 0.00005.
gnomAD v4.1: 134 of 1,613,868 alleles (0.0083%); highest among the groups gnomAD compares: Non-Finnish European, 0.011%; no homozygotes.

Submissions (3):

Department of Medical Genomics, Royal Prince Alfred Hospital
Classification: Likely pathogenic for BUTYRYLCHOLINESTERASE DEFICIENCY. Last evaluated: 2023-05-12. Review status: criteria provided, single submitter. Criteria: ACMG Guidelines, 2015. Collection method: clinical testing. Allele origin: maternal. Inheritance: Autosomal recessive inheritance. Affected: yes.
Comment: This missense variant is found at an extremely low frequency in control populations (gnomAD PopMax frequency 0.01% in non-Finnish Europeans). It has previously been described in a compound heterozygous state with a known pathogenic variant in a patient with pseudocholinesterase deficiency (PMID 12881446). In silico analyses highly suggest a damaging effect (REVEL 0.96).

GeneDx
Classification: Uncertain significance. Last evaluated: 2022-01-10. Review status: criteria provided, single submitter. Criteria: GeneDx Variant Classification Process June 2021. Collection method: clinical testing. Allele origin: germline. Affected: yes.
Comment: In silico analysis supports that this missense variant has a deleterious effect on protein structure/function; This variant is associated with the following publications: (PMID: 12881446)

Fulgent Genetics
Classification: Uncertain significance for Deficiency of butyrylcholinesterase. Last evaluated: 2021-10-04. Review status: criteria provided, single submitter. Criteria: ACMG Guidelines, 2015. Collection method: clinical testing. Allele origin: unknown.

Literature cited by the submitters: PubMed 12881446 (cited by Department of Medical Genomics, Royal Prince Alfred Hospital).